The following is an entry in ClinVar:

NM_000465.4(BARD1):c.295dup (p.Arg99fs)

Gene: BARD1 (BRCA1 associated RING domain 1; minus strand). Cytogenetic location: 2q35.
Variant type: Duplication.
Coding change: c.295dup on transcript NM_000465.4 (MANE Select); coding-DNA position 295, one base duplicated (A; older notation c.295dupA).
Protein change: p.Arg99fs; shifts the reading frame from arginine 99.
Molecular consequence: frameshift variant. On other transcripts: non-coding transcript variant (1), intron variant (2).
Genome position (GRCh38, 1-based): chr2:214,792,366, T duplicated on the plus strand (A on the coding strand, the reverse complement: BARD1 is on the minus strand). VCF-style (leftmost placement, unchanged base first): chr2-214792365-C-CT. GRCh37 (hg19) VCF-style: chr2-215657089-C-CT.
Other names: c.238dup, p.Arg80fs (NM_001282543.2); c.295dup, p.Arg99fs (NM_001282549.2); c.158+17046dup (NM_001282548.2); c.215+4695dup (NM_001282545.2); short protein forms R80fs, R99fs.
Identifiers: ClinVar variation 2583371 (VCV002583371.2), dbSNP rs2469560933, ClinGen allele CA2582342120.
Genomic context (GRCh38, chr2:214,792,365, plus strand): 5'-TCATTGTCATGTAGCAAATTTCGAAGCTTACTACAAAGTTGAATCATGCTGTCCAGTTGT[C>CT]TATTTATCTTCAAGTCTTGTATCCAGGCCGGGGTGTAACACACTGGACATCCAGTTCCAA-3'

ClinVar aggregate classification (germline): Pathogenic (1 of 4 stars; one submission).

Conditions:
Familial cancer of breast. Also called: Hereditary breast cancer; BREAST CANCER, FAMILIAL; hereditary breast carcinoma. Identifiers: Orphanet 227535, MedGen C0346153, MONDO:0016419, OMIM 114480. Disease mechanism: loss of function.

Submission:

Myriad Genetics, Inc.
Classification: Pathogenic for Familial cancer of breast. Last evaluated: 2023-05-18. Review status: criteria provided, single submitter. Criteria: Myriad Autosomal Dominant, Autosomal Recessive and X-Linked Classification Criteria (2023). Collection method: clinical testing. Allele origin: unknown.
Comment: This variant is considered pathogenic. This variant creates a frameshift predicted to result in premature protein truncation.